The following is an entry in ClinVar:

NM_000038.6(APC):c.399T>G (p.Tyr133Ter)

Gene: APC (APC regulator of Wnt signaling pathway; plus strand). Cytogenetic location: 5q22.2.
Variant type: single nucleotide variant.
Coding change: c.399T>G on transcript NM_000038.6 (MANE Select); coding-DNA position 399, T replaced by G.
Protein change: p.Tyr133Ter; replaces tyrosine 133 with a stop codon.
Molecular consequence: nonsense. On other transcripts: 5 prime UTR variant (1).
Genome position (GRCh38, 1-based): chr5:112,767,367, T>G. VCF-style: chr5-112767367-T-G. GRCh37 (hg19) VCF-style: chr5-112103064-T-G.
Other names: c.399T>G, p.Tyr133Ter (NM_001127510.3, NM_001354895.2, NM_001354896.2 and 16 more transcripts); c.429T>G, p.Tyr143Ter (NM_001127511.3, NM_001354897.2, NM_001354902.2 and 1 more transcripts); c.324T>G, p.Tyr108Ter (NM_001354898.2, NM_001354904.2, NM_001407451.1); c.222T>G, p.Tyr74Ter (NM_001354900.2, NM_001354901.2, NM_001354905.2 and 1 more transcripts); c.-637T>G (NM_001354906.2, NM_001407470.1, NM_001407471.1 and 1 more transcripts); short protein forms Y108*, Y133*, Y143*, Y74*.
Identifiers: ClinVar variation 2203670 (VCV002203670.5), dbSNP rs2149789815, ClinGen allele CA16022190.

ClinVar aggregate classification (germline): Pathogenic. Review status: criteria provided, multiple submitters, no conflicts (2 of 4 stars). 2 submissions from 2 submitters: Pathogenic (2). Last evaluated 2023-04-25.

Conditions:
Familial adenomatous polyposis 1 (FAP1). Also called: POLYPOSIS, ADENOMATOUS INTESTINAL; FAMILIAL ADENOMATOUS POLYPOSIS 1, ATTENUATED. Identifiers: MedGen C2713442, MONDO:0021056, OMIM 175100. Disease mechanism: loss of function.

Submissions (2):

Myriad Genetics, Inc.
Classification: Pathogenic for Familial adenomatous polyposis 1. Last evaluated: 2023-04-25. Review status: criteria provided, single submitter. Criteria: Myriad Autosomal Dominant, Autosomal Recessive and X-Linked Classification Criteria (2023). Collection method: clinical testing. Allele origin: unknown.
Comment: This variant is considered pathogenic. This variant creates a termination codon and is predicted to result in premature protein truncation.

Labcorp Genetics (formerly Invitae), Labcorp
Classification: Pathogenic for Familial adenomatous polyposis 1. Last evaluated: 2022-07-16. Review status: criteria provided, single submitter. Criteria: Invitae Variant Classification Sherloc (09022015). Collection method: clinical testing. Allele origin: germline.
Comment: For these reasons, this variant has been classified as Pathogenic. This sequence change creates a premature translational stop signal (p.Tyr133*) in the APC gene. It is expected to result in an absent or disrupted protein product. Loss-of-function variants in APC are known to be pathogenic (PMID: 17963004, 20685668). This variant is not present in population databases (gnomAD no frequency). This premature translational stop signal has been observed in individual(s) with familial adenomatous polyposis (FAP) (PMID: 20685668). Algorithms developed to predict the effect of sequence changes on RNA splicing suggest that this variant may disrupt the consensus splice site.

Literature cited by the submitters: PubMed 17963004 (cited by Labcorp Genetics (formerly Invitae), Labcorp); PubMed 20685668 (cited by Labcorp Genetics (formerly Invitae), Labcorp).